The following is an entry in ClinVar:

ClinVar aggregate classification (germline): Uncertain significance (1 of 4 stars; one submission).

Conditions:
Early-onset Lafora body disease. Also called: Epilepsy, progressive myoclonic, 10. Identifiers: Orphanet 324290, MedGen C4225258, MONDO:0014717, OMIM 616640.

Allele frequency attached by ClinVar (database versions not stated): gnomAD exomes 0.00002; ExAC 0.00003; gnomAD 0.00004; TOPMed 0.00005.
gnomAD v4.1: 13 of 1,610,634 alleles (0.00081%); highest among the groups gnomAD compares: African/African-American, 0.016%; no homozygotes.

Submission:

Labcorp Genetics (formerly Invitae), Labcorp
Classification: Uncertain significance for Early-onset Lafora body disease. Last evaluated: 2022-10-17. Review status: criteria provided, single submitter. Criteria: Invitae Variant Classification Sherloc (09022015). Collection method: clinical testing. Allele origin: germline.
Comment: In summary, the available evidence is currently insufficient to determine the role of this variant in disease. Therefore, it has been classified as a Variant of Uncertain Significance. Advanced modeling of protein sequence and biophysical properties (such as structural, functional, and spatial information, amino acid conservation, physicochemical variation, residue mobility, and thermodynamic stability) performed at Invitae indicates that this missense variant is not expected to disrupt PRDM8 protein function. ClinVar contains an entry for this variant (Variation ID: 1386525). This variant has not been reported in the literature in individuals affected with PRDM8-related conditions. This variant is present in population databases (rs771970888, gnomAD 0.03%). This sequence change replaces leucine, which is neutral and non-polar, with valine, which is neutral and non-polar, at codon 233 of the PRDM8 protein (p.Leu233Val).

NM_001099403.2(PRDM8):c.697C>G (p.Leu233Val)

Gene: PRDM8 (PR/SET domain 8; plus strand). Cytogenetic location: 4q21.21.
Variant type: single nucleotide variant.
Coding change: c.697C>G on transcript NM_001099403.2 (MANE Select); coding-DNA position 697, C replaced by G.
Protein change: p.Leu233Val; replaces leucine 233 with valine.
Molecular consequence: missense variant.
Genome position (GRCh38, 1-based): chr4:80,202,159, C>G. VCF-style: chr4-80202159-C-G. GRCh37 (hg19) VCF-style: chr4-81123313-C-G.
Other names: c.697C>G, p.Leu233Val (NM_020226.4); short protein forms L233V.
Identifiers: ClinVar variation 1386525 (VCV001386525.8), dbSNP rs771970888, ClinGen allele CA2982310.